The following is an entry in ClinVar:

NM_016327.3(UPB1):c.505C>T (p.Arg169Ter)

Gene: UPB1 (beta-ureidopropionase 1; plus strand). Cytogenetic location: 22q11.23.
Variant type: single nucleotide variant.
Coding change: c.505C>T on transcript NM_016327.3 (MANE Select); coding-DNA position 505, C replaced by T.
Protein change: p.Arg169Ter; replaces arginine 169 with a stop codon.
Molecular consequence: nonsense.
Genome position (GRCh38, 1-based): chr22:24,513,369, C>T. VCF-style: chr22-24513369-C-T. GRCh37 (hg19) VCF-style: chr22-24909337-C-T.
Other names: short protein forms R169*.
Identifiers: ClinVar variation 3065964 (VCV003065964.4), dbSNP rs770644036, ClinGen allele CA10153255.
Genomic context (GRCh38, chr22:24,513,369, plus strand): 5'-TTATCATTTTTCCAGCTGGCGAAGAACCATGACATGGTGGTGGTGTCTCCCATCCTGGAA[C>T]GAGACAGCGAGCATGGGGATGTTTTGTGGAATACAGCCGTGGTGATCTCCAATTCCGGAG-3'

ClinVar aggregate classification (germline): Likely pathogenic. Review status: criteria provided, multiple submitters, no conflicts (2 of 4 stars). 2 submissions from 2 submitters: Likely pathogenic (2). Last evaluated 2024-03-29.

Conditions:
Deficiency of beta-ureidopropionase (UPB1D). Also called: Beta-ureidopropionase deficiency. Identifiers: Orphanet 65287, MedGen C1291512, MONDO:0013164, OMIM 613161.

Allele frequency attached by ClinVar (database versions not stated): gnomAD 0.00001; TOPMed 0.00001; ExAC 0.00003.
gnomAD v4.1: 22 of 1,614,158 alleles (0.0014%); highest among the groups gnomAD compares: Admixed American, 0.005%; no homozygotes.

Submissions (2):

Genomic Medicine Center of Excellence, King Faisal Specialist Hospital and Research Centre
Classification: Likely pathogenic for Deficiency of beta-ureidopropionase. Last evaluated: 2024-03-29. Review status: criteria provided, single submitter. Criteria: ACMG Guidelines, 2015. Collection method: clinical testing. Allele origin: germline.

Juno Genomics, Hangzhou Juno Genomics, Inc
Classification: Likely pathogenic for Deficiency of beta-ureidopropionase. Review status: criteria provided, single submitter. Criteria: ACMG Guidelines, 2015. Collection method: clinical testing. Allele origin: germline.
Comment: Null variant in a gene where loss of function (LOF) is a known mechanism of disease.;Absent from controls (or at extremely low frequency if recessive) in Genome Aggregation Database.